The following is an entry in ClinVar:

ClinVar aggregate classification (germline): Uncertain significance. Review status: criteria provided, multiple submitters, no conflicts (2 of 4 stars). 3 submissions from 3 submitters: Uncertain significance (3). Last evaluated 2026-06-05.

Conditions:
ACOX2-related disorder. Also called: ACOX2-related condition.

Allele frequency attached by ClinVar (database versions not stated): 1000 Genomes Project 30x 0.00016; 1000 Genomes Project 0.00020.
gnomAD v4.1: 209 of 1,614,074 alleles (0.013%); highest among the groups gnomAD compares: Middle Eastern, 0.18%; 1 homozygote.

Submissions (3):

PreventionGenetics, part of Exact Sciences
Classification: Uncertain significance for ACOX2-related condition. Last evaluated: 2026-06-05. Review status: criteria provided, single submitter. Criteria: ACMG Guidelines, 2015. Collection method: clinical testing. Allele origin: germline.
Comment: The ACOX2 c.968G>A variant is predicted to result in the amino acid substitution p.Arg323His. To our knowledge, this variant has not been reported in the literature. This variant is reported in 0.026% of alleles in individuals of South Asian descent in gnomAD. At this time, the clinical significance of this variant is uncertain due to the absence of conclusive functional and genetic evidence.

Ambry Genetics
Classification: Uncertain significance. Last evaluated: 2025-07-31. Review status: criteria provided, single submitter. Criteria: Ambry Variant Classification Scheme 2023. Collection method: clinical testing. Allele origin: germline.

Labcorp Genetics (formerly Invitae), Labcorp
Classification: Uncertain significance. Last evaluated: 2025-03-12. Review status: criteria provided, single submitter. Criteria: Invitae Variant Classification Sherloc (09022015). Collection method: clinical testing. Allele origin: germline.
Comment: This sequence change replaces arginine, which is basic and polar, with histidine, which is basic and polar, at codon 323 of the ACOX2 protein (p.Arg323His). This variant is present in population databases (rs562573238, gnomAD 0.03%). This variant has not been reported in the literature in individuals affected with ACOX2-related conditions. ClinVar contains an entry for this variant (Variation ID: 2507888). Invitae Evidence Modeling of protein sequence and biophysical properties (such as structural, functional, and spatial information, amino acid conservation, physicochemical variation, residue mobility, and thermodynamic stability) indicates that this missense variant is expected to disrupt ACOX2 protein function with a positive predictive value of 80%. In summary, the available evidence is currently insufficient to determine the role of this variant in disease. Therefore, it has been classified as a Variant of Uncertain Significance.

NM_003500.4(ACOX2):c.968G>A (p.Arg323His)

Gene: ACOX2 (acyl-CoA oxidase 2; minus strand). Cytogenetic location: 3p14.3.
Variant type: single nucleotide variant.
Coding change: c.968G>A on transcript NM_003500.4 (MANE Select); coding-DNA position 968, G replaced by A.
Protein change: p.Arg323His; replaces arginine 323 with histidine.
Molecular consequence: missense variant.
Genome position (GRCh38, 1-based): chr3:58,530,490, C>T on the plus strand (G>A on the coding strand, the complement: ACOX2 is on the minus strand). VCF-style: chr3-58530490-C-T. GRCh37 (hg19) VCF-style: chr3-58516217-C-T.
Other names: short protein forms R323H.
Identifiers: ClinVar variation 2507888 (VCV002507888.7), dbSNP rs562573238, ClinGen allele CA2472217.
Genomic context (GRCh38, chr3:58,530,490, plus strand): 5'-CATATCTGCGGTAGTCAGTCACTGGGCACCCCTTGCCTGGGCCGGAGCCGGGATTGGCGG[C>T]GGATGACCGAGTAGCGCATGGCGATGACACAGGCCTTCTGCAGTATAGGGAGGATCTCCC-3'
Protein context (NP_003491.1, residues 313-333): CVIAMRYSVI[Arg323His]RQSRLRPSDP